The following is an entry in ClinVar:

ClinVar aggregate classification (germline): Uncertain significance. Review status: criteria provided, single submitter (1 of 4 stars). 2 submissions from 2 submitters: Uncertain significance (1). 1 of the submissions does not count toward it. Last evaluated 2021-08-01.

Conditions:
Hereditary breast ovarian cancer syndrome. Also called: Hereditary breast and ovarian cancer; Hereditary breast and ovarian cancer syndrome (HBOC); Hereditary breast and/or ovarian cancer syndrome; Breast and ovarian cancer; Hereditary breast and ovarian cancer syndrome; BRCA1- and BRCA2-Associated Hereditary Breast and Ovarian Cancer. Identifiers: Orphanet 145, MedGen C0677776, MeSH D061325, MONDO:0003582. Disease mechanism: loss of function.
Breast-ovarian cancer, familial, susceptibility to, 2 (BROVCA2). Also called: BRCA2 Hereditary Breast and Ovarian Cancer. Identifiers: Orphanet 145, MedGen C2675520, MONDO:0012933, OMIM 612555. Disease mechanism: loss of function.

Submissions (2):

Labcorp Genetics (formerly Invitae), Labcorp
Classification: Uncertain significance for Hereditary breast ovarian cancer syndrome. Last evaluated: 2021-08-01. Review status: criteria provided, single submitter. Criteria: Invitae Variant Classification Sherloc (09022015). Collection method: clinical testing. Allele origin: germline.
Comment: This variant is not present in population databases (ExAC no frequency). This sequence change replaces phenylalanine with serine at codon 1450 of the BRCA2 protein (p.Phe1450Ser). The phenylalanine residue is moderately conserved and there is a large physicochemical difference between phenylalanine and serine. This variant has not been reported in the literature in individuals affected with BRCA2-related conditions. In summary, the available evidence is currently insufficient to determine the role of this variant in disease. Therefore, it has been classified as a Variant of Uncertain Significance. Advanced modeling of protein sequence and biophysical properties (such as structural, functional, and spatial information, amino acid conservation, physicochemical variation, residue mobility, and thermodynamic stability) performed at Invitae indicates that this missense variant is not expected to disrupt BRCA2 protein function. ClinVar contains an entry for this variant (Variation ID: 37896).

Sharing Clinical Reports Project (SCRP)
Classification: Uncertain significance for Breast-ovarian cancer, familial 2. Last evaluated: 2007-11-19. Review status: no assertion criteria provided. Collection method: clinical testing. Allele origin: germline. Not counted in ClinVar's aggregate classification.

NC_000013.11:g.32338704T>C

Gene: BRCA2 (BRCA2 DNA repair associated; plus strand). Cytogenetic location: 13q13.1.
Variant type: single nucleotide variant.
Genome position: GRCh38 VCF-style: chr13-32338704-T-C. GRCh37 (hg19) VCF-style: chr13-32912841-T-C.
Other names: F1450S; c.4349T>C, p.Phe1450Ser (LRG_293t1).
Identifiers: ClinVar variation 37896 (VCV000037896.8), dbSNP rs397507329, ClinGen allele CA020021.
Genomic context (GRCh38, chr13:32,338,704, plus strand): 5'-CTGCAAGTGGGAAAAATATTAGTGTCGCCAAAGAGTCATTTAATAAAATTGTAAATTTCT[T>C]TGATCAGAAACCAGAAGAATTGCATAACTTTTCCTTAAATTCTGAATTACATTCTGACAT-3'